The following is an entry in ClinVar:

NM_001013839.4(EXOC7):c.514G>T (p.Asp172Tyr)

Gene: EXOC7 (exocyst complex component 7; minus strand). Cytogenetic location: 17q25.1.
Variant type: single nucleotide variant.
Coding change: c.514G>T on transcript NM_001013839.4 (MANE Select); coding-DNA position 514, G replaced by T.
Protein change: p.Asp172Tyr; replaces aspartic acid 172 with tyrosine.
Molecular consequence: missense variant.
Genome position (GRCh38, 1-based): chr17:76,097,922, C>A on the plus strand (G>T on the coding strand, the complement: EXOC7 is on the minus strand). VCF-style: chr17-76097922-C-A. GRCh37 (hg19) VCF-style: chr17-74094003-C-A.
Other names: c.514G>T, p.Asp172Tyr (NM_001375975.1, NM_001375976.1, NM_015219.5 and 4 more transcripts); c.391G>T, p.Asp131Tyr (NM_001145296.1, NM_001282313.2); short protein forms D131Y, D172Y.
Identifiers: ClinVar variation 2692468 (VCV002692468.2), dbSNP rs377287252, ClinGen allele CA8781640.

ClinVar aggregate classification (germline): Uncertain significance. Review status: criteria provided, multiple submitters, no conflicts (2 of 4 stars). 2 submissions from 2 submitters: Uncertain significance (2). Last evaluated 2023-11-16.

Conditions:
Neurodevelopmental disorder with seizures and brain atrophy. Identifiers: MedGen C5436732, MONDO:0033658, OMIM 619072.

Allele frequency attached by ClinVar (database versions not stated): ESP Exome Variant Server 0.00008; gnomAD 0.00011; 1000 Genomes Project 30x 0.00016; ExAC 0.00016; 1000 Genomes Project 0.00020.
gnomAD v4.1: 191 of 1,614,038 alleles (0.012%); highest among the groups gnomAD compares: Middle Eastern, 0.15%; 1 homozygote.

Submissions (2):

Greenwood Genetic Center Diagnostic Laboratories, Greenwood Genetic Center
Classification: Uncertain significance. Last evaluated: 2023-11-16. Review status: criteria provided, single submitter. Criteria: ACMG Guidelines, 2015. Collection method: clinical testing. Allele origin: germline. Affected: yes.
Comment: PM2

Neuberg Centre For Genomic Medicine, NCGM
Classification: Uncertain significance for Neurodevelopmental disorder with seizures and brain atrophy. Review status: criteria provided, single submitter. Criteria: ACMG Guidelines, 2015. Collection method: clinical testing. Allele origin: germline. Inheritance: Autosomal recessive inheritance. Affected: yes.
Comment: The observed missense c.514G>T(p.Asp172Tyr) variant in EXOC7 gene has not been reported previously as a pathogenic variant nor as a benign variant, to our knowledge. This variant is reported with the allele frequency of 0.02% in the gnomAD Exomes. The amino acid Asp at position 172 is changed to a Tyr changing protein sequence and it might alter its composition and physico-chemical properties. The amino acid change p.Asp172Tyr in EXOC7 is predicted as conserved by GERP++ and PhyloP across 100 vertebrates. Multiple lines of computational evidence (Polyphen - Damaging, SIFT - Damaging and MutationTaster - Disease causing) predict a damaging effect on protein structure and function for this variant. For these reasons, this variant has been classified as Uncertain Significance.